The following is an entry in ClinVar:

ClinVar aggregate classification (germline): Uncertain significance. Review status: criteria provided, multiple submitters, no conflicts (2 of 4 stars). 2 submissions from 2 submitters: Uncertain significance (2). Last evaluated 2025-06-08.

Submissions (2):

Labcorp Genetics (formerly Invitae), Labcorp
Classification: Uncertain significance. Last evaluated: 2025-06-08. Review status: criteria provided, single submitter. Criteria: Invitae Variant Classification Sherloc (09022015). Collection method: clinical testing. Allele origin: germline.
Comment: This variant, c.79_81dup, results in the insertion of 1 amino acid(s) of the SEMA4A protein (p.Pro27dup), but otherwise preserves the integrity of the reading frame. This variant is present in population databases (rs752657877, gnomAD 0.02%). This variant has not been reported in the literature in individuals affected with SEMA4A-related conditions. ClinVar contains an entry for this variant (Variation ID: 1394287). Experimental studies and prediction algorithms are not available or were not evaluated, and the functional significance of this variant is currently unknown. In summary, the available evidence is currently insufficient to determine the role of this variant in disease. Therefore, it has been classified as a Variant of Uncertain Significance.

Blueprint Genetics
Classification: Uncertain significance. Last evaluated: 2020-01-09. Review status: criteria provided, single submitter. Criteria: ACMG Guidelines, 2015. Collection method: clinical testing. Allele origin: germline.

NM_022367.4(SEMA4A):c.79_81dup (p.Pro27dup)

Gene: SEMA4A (semaphorin 4A; plus strand). Cytogenetic location: 1q22.
Variant type: Duplication.
Coding change: c.79_81dup on transcript NM_022367.4 (MANE Select); coding-DNA positions 79 to 81, 3 bases duplicated (CCG; older notation c.79_81dupCCG).
Protein change: p.Pro27dup; duplicates proline 27.
Molecular consequence: inframe insertion. On other transcripts: 5 prime UTR variant (1), intron variant (3).
Genome position (GRCh38, 1-based): chr1:156,154,657-156,154,659, CCG duplicated; duplicating any 3 consecutive bases within chr1:156,154,656-156,154,659 gives the same sequence; the c. name uses the placement nearest the transcript's 3' end. VCF-style (leftmost placement, unchanged base first): chr1-156154655-T-TGCC. GRCh37 (hg19) VCF-style: chr1-156124446-T-TGCC.
Other names: c.79_81dup, p.Pro27dup (NM_001193300.2, NM_001193301.2, NM_001370567.1); c.-446_-444dup (NM_001370571.1); c.-385-1757_-385-1755dup (NM_001370569.1); c.-158-1757_-158-1755dup (NM_001370568.1); c.-159+893_-159+895dup (NM_001193302.2).
Identifiers: ClinVar variation 1394287 (VCV001394287.8), dbSNP rs752657877, ClinGen allele CA1154889.